The following is an entry in ClinVar:

ClinVar aggregate classification (germline): Uncertain significance. Review status: criteria provided, multiple submitters, no conflicts (2 of 4 stars). 3 submissions from 3 submitters: Uncertain significance (3). Last evaluated 2025-08-10.

Conditions:
Hereditary cancer-predisposing syndrome. Also called: Hereditary neoplastic syndrome; Neoplastic Syndromes, Hereditary; Tumor predisposition; Hereditary Cancer Syndrome. Identifiers: Orphanet 140162, MedGen C0027672, MeSH D009386, MONDO:0015356.
Microcephaly, normal intelligence and immunodeficiency (NBS). Also called: IMMUNODEFICIENCY, MICROCEPHALY, AND CHROMOSOMAL INSTABILITY; SEEMANOVA SYNDROME II; Nijmegen breakage syndrome; Microcephaly with normal intelligence immunodeficiency and lymphoreticular malignancies; Nonsyndromal microcephaly autosomal recessive with normal intelligence; Seemanova syndrome 2. Identifiers: Orphanet 647, MedGen C0398791, MONDO:0009623, OMIM 251260.

Submissions (3):

Ambry Genetics
Classification: Uncertain significance for Hereditary cancer-predisposing syndrome. Last evaluated: 2025-08-10. Review status: criteria provided, single submitter. Criteria: Ambry Variant Classification Scheme 2023. Collection method: clinical testing. Allele origin: germline.
Comment: The p.E179D variant (also known as c.537A>T), located in coding exon 5 of the NBN gene, results from an A to T substitution at nucleotide position 537. The glutamic acid at codon 179 is replaced by aspartic acid, an amino acid with highly similar properties. This amino acid position is highly conserved in available vertebrate species. In addition, the in silico prediction for this alteration is inconclusive. Since supporting evidence is limited at this time, the clinical significance of this alteration remains unclear.

Genome-Nilou Lab
Classification: Uncertain significance for Microcephaly, normal intelligence and immunodeficiency. Last evaluated: 2021-11-07. Review status: criteria provided, single submitter. Criteria: ACMG Guidelines, 2015. Collection method: clinical testing. Allele origin: germline. Affected: no.

Labcorp Genetics (formerly Invitae), Labcorp
Classification: Uncertain significance for Microcephaly, normal intelligence and immunodeficiency. Last evaluated: 2017-04-21. Review status: criteria provided, single submitter. Criteria: Invitae Variant Classification Sherloc (09022015). Collection method: clinical testing. Allele origin: germline.
Comment: This variant is not present in population databases (ExAC no frequency) and has not been reported in the literature in individuals with a NBN-related disease. Algorithms developed to predict the effect of missense changes on protein structure and function do not agree on the potential impact of this missense change (SIFT: "Tolerated"; PolyPhen-2: "Possibly Damaging"; Align-GVGD: "Class C0"). In summary, this variant is a novel missense change with uncertain impact on protein function. It has been classified as a Variant of Uncertain Significance. This sequence change replaces glutamic acid with aspartic acid at codon 179 of the NBN protein (p.Glu179Asp). The glutamic acid residue is moderately conserved and there is a small physicochemical difference between glutamic acid and aspartic acid.

NM_002485.5(NBN):c.537A>T (p.Glu179Asp)

Gene: NBN (nibrin; minus strand). Cytogenetic location: 8q21.3.
Variant type: single nucleotide variant.
Coding change: c.537A>T on transcript NM_002485.5 (MANE Select); coding-DNA position 537, A replaced by T.
Protein change: p.Glu179Asp; replaces glutamic acid 179 with aspartic acid.
Molecular consequence: missense variant.
Genome position (GRCh38, 1-based): chr8:89,978,267, T>A on the plus strand (A>T on the coding strand, the complement: NBN is on the minus strand). VCF-style: chr8-89978267-T-A. GRCh37 (hg19) VCF-style: chr8-90990495-T-A.
Other names: c.291A>T, p.Glu97Asp (NM_001024688.3); short protein forms E179D, E97D.
Identifiers: ClinVar variation 461572 (VCV000461572.19), dbSNP rs1554566673, ClinGen allele CA371660267.